The following is an entry in ClinVar:

ClinVar aggregate classification (germline): Benign/Likely benign. Review status: criteria provided, multiple submitters, no conflicts (2 of 4 stars). 3 submissions from 3 submitters: Benign (2); Likely benign (1). Last evaluated 2025-12-21.

Conditions:
Polycystic liver disease 1 (PCLD1). Also called: Polycystic liver disease 1 with or without kidney cysts. Identifiers: Orphanet 2924, MedGen C0887850, MONDO:0008265, OMIM 174050.

Allele frequency attached by ClinVar (database versions not stated): gnomAD 0.00006 and 0.00079; ESP Exome Variant Server 0.00008; TOPMed 0.00022; gnomAD exomes 0.00124 and 0.00258; ExAC 0.00303; 1000 Genomes Project 30x 0.00562; 1000 Genomes Project 0.00639.
gnomAD v4.1: 1,942 of 1,613,306 alleles (0.12%); highest among the groups gnomAD compares: South Asian, 2%; 36 homozygotes.

Submissions (3):

Labcorp Genetics (formerly Invitae), Labcorp
Classification: Benign. Last evaluated: 2025-12-21. Review status: criteria provided, single submitter. Criteria: Invitae Variant Classification Sherloc (09022015). Collection method: clinical testing. Allele origin: germline.

Fulgent Genetics
Classification: Likely benign for Polycystic liver disease 1. Last evaluated: 2021-07-19. Review status: criteria provided, single submitter. Criteria: ACMG Guidelines, 2015. Collection method: clinical testing. Allele origin: unknown.

Illumina Laboratory Services, Illumina
Classification: Benign for Polycystic liver disease 1. Last evaluated: 2018-01-12. Review status: criteria provided, single submitter. Criteria: ICSL Variant Classification Criteria 13 December 2019. Collection method: clinical testing. Allele origin: germline.
Comment: This variant was observed in the ICSL laboratory as part of a predisposition screen in an ostensibly healthy population. It had not been previously curated by ICSL or reported in the Human Gene Mutation Database (HGMD: prior to June 1st, 2018), and was therefore a candidate for classification through an automated scoring system. Utilizing variant allele frequency, disease prevalence and penetrance estimates, and inheritance mode, an automated score was calculated to assess if this variant is too frequent to cause the disease. Based on the score and internal cut-off values, a variant classified as benign is not then subjected to further curation. The score for this variant resulted in a classification of benign for this disease.

NM_001289104.2(PRKCSH):c.1590C>T (p.Asp530=)

Gene: PRKCSH (PRKCSH beta subunit of glucosidase II; plus strand). Cytogenetic location: 19p13.2.
Variant type: single nucleotide variant.
Coding change: c.1590C>T on transcript NM_001289104.2 (MANE Select); coding-DNA position 1590, C replaced by T.
Protein change: p.Asp530=; no amino-acid change (aspartic acid 530 retained).
Molecular consequence: synonymous variant.
Genome position (GRCh38, 1-based): chr19:11,449,394, C>T. VCF-style: chr19-11449394-C-T. GRCh37 (hg19) VCF-style: chr19-11560209-C-T.
Other names: c.1560C>T, p.Asp520= (NM_001001329.3, NM_001289102.2, NM_001379609.1); c.1590C>T, p.Asp530= (NM_001289103.2); c.1569C>T, p.Asp523= (NM_001379608.1, NM_002743.3).
Identifiers: ClinVar variation 328197 (VCV000328197.13), dbSNP rs147203239, ClinGen allele CA9213378.